The following is an entry in ClinVar:

NM_000520.6(HEXA):c.196del (p.Gln66fs)

Gene: HEXA (hexosaminidase subunit alpha; minus strand). Cytogenetic location: 15q23.
Variant type: Deletion.
Coding change: c.196del on transcript NM_000520.6 (MANE Select); coding-DNA position 196, one base deleted (C; older notation c.196delC).
Protein change: p.Gln66fs; shifts the reading frame from glutamine 66.
Molecular consequence: frameshift variant. On other transcripts: non-coding transcript variant (1).
Genome position (GRCh38, 1-based): chr15:72,375,777, G deleted on the plus strand (C on the coding strand, the reverse complement: HEXA is on the minus strand); the first of 2 consecutive G bases (chr15:72,375,777-72,375,778); deleting either gives the same sequence. VCF-style (leftmost placement, unchanged base first): chr15-72375776-TG-T. GRCh37 (hg19) VCF-style: chr15-72668117-TG-T.
Other names: c.196del, p.Gln66fs (NM_001318825.2); short protein forms Q66fs.
Identifiers: ClinVar variation 2752526 (VCV002752526.3), dbSNP rs2542581524, ClinGen allele CA2697549200.

ClinVar aggregate classification (germline): Pathogenic (1 of 4 stars; one submission).

Conditions:
Tay-Sachs disease (TSD). Also called: HEXA Disorders; HEXA DEFICIENCY; GM2 gangliosidosis, type 1; Hexosaminidase alpha-subunit deficiency (variant B); Sphingolipidosis, Tay-Sachs; Hexosaminidase A Deficiency. Identifiers: Orphanet 845, MedGen C0039373, MONDO:0010100, OMIM 272800.

Submission:

Labcorp Genetics (formerly Invitae), Labcorp
Classification: Pathogenic for Tay-Sachs disease. Last evaluated: 2023-08-14. Review status: criteria provided, single submitter. Criteria: Invitae Variant Classification Sherloc (09022015). Collection method: clinical testing. Allele origin: germline.
Comment: For these reasons, this variant has been classified as Pathogenic. This variant has not been reported in the literature in individuals affected with HEXA-related conditions. This variant is not present in population databases (gnomAD no frequency). This sequence change creates a premature translational stop signal (p.Gln66Serfs*34) in the HEXA gene. It is expected to result in an absent or disrupted protein product. Loss-of-function variants in HEXA are known to be pathogenic (PMID: 1833974, 8490625).

Literature cited by the submitters: PubMed 1833974; PubMed 8490625.